The following is an entry in ClinVar:

NM_005032.7(PLS3):c.243dup (p.Gln82fs)

Gene: PLS3 (plastin 3; plus strand). Cytogenetic location: Xq23.
Variant type: Duplication.
Coding change: c.243dup on transcript NM_005032.7 (MANE Select); coding-DNA position 243, one base duplicated (T; older notation c.243dupT).
Protein change: p.Gln82fs; shifts the reading frame from glutamine 82.
Molecular consequence: frameshift variant.
Genome position (GRCh38, 1-based): chrX:115,629,203, T duplicated; the last of 5 consecutive T bases (chrX:115,629,199-115,629,203); duplicating any one gives the same sequence. VCF-style (leftmost placement, unchanged base first): chrX-115629198-A-AT. GRCh37 (hg19) VCF-style: chrX-114863510-A-AT.
Other names: c.243dup, p.Gln82fs (NM_001136025.5); c.162dup, p.Gln55fs (NM_001172335.3); c.177dup, p.Gln60fs (NM_001282337.2); c.108dup, p.Gln37fs (NM_001282338.2); short protein forms Q55fs, Q60fs, Q37fs, Q82fs.
Identifiers: ClinVar variation 3649100 (VCV003649100.2).

ClinVar aggregate classification (germline): Pathogenic (1 of 4 stars; one submission).

Submission:

Labcorp Genetics (formerly Invitae), Labcorp
Classification: Pathogenic. Last evaluated: 2024-04-13. Review status: criteria provided, single submitter. Criteria: Invitae Variant Classification Sherloc (09022015). Collection method: clinical testing. Allele origin: germline.
Comment: This sequence change creates a premature translational stop signal (p.Gln82Serfs*6) in the PLS3 gene. It is expected to result in an absent or disrupted protein product. Loss-of-function variants in PLS3 are known to be pathogenic (PMID: 24088043, 30405713, 33166085). This variant is not present in population databases (gnomAD no frequency). This variant has not been reported in the literature in individuals affected with PLS3-related conditions. For these reasons, this variant has been classified as Pathogenic.

Literature cited by the submitters: PubMed 24088043; PubMed 30405713; PubMed 33166085.